The following is an entry in ClinVar:

ClinVar aggregate classification (germline): Conflicting classifications of pathogenicity. Review status: criteria provided, conflicting classifications (1 of 4 stars). 2 submissions from 2 submitters: Uncertain significance (1); Likely benign (1). Last evaluated 2025-06-12.

Allele frequency attached by ClinVar (database versions not stated): TOPMed 0.00009; gnomAD 0.00011; ESP Exome Variant Server 0.00023; ExAC 0.00025.
gnomAD v4.1: 408 of 1,613,948 alleles (0.025%); highest among the groups gnomAD compares: Non-Finnish European, 0.032%; no homozygotes.

Submissions (2):

Labcorp Genetics (formerly Invitae), Labcorp
Classification: Uncertain significance. Last evaluated: 2025-06-12. Review status: criteria provided, single submitter. Criteria: Invitae Variant Classification Sherloc (09022015). Collection method: clinical testing. Allele origin: germline.
Comment: This sequence change replaces serine, which is neutral and polar, with arginine, which is basic and polar, at codon 462 of the ARHGAP24 protein (p.Ser462Arg). This variant is present in population databases (rs142672228, gnomAD 0.04%), and has an allele count higher than expected for a pathogenic variant. This variant has not been reported in the literature in individuals affected with ARHGAP24-related conditions. ClinVar contains an entry for this variant (Variation ID: 2194575). An algorithm developed to predict the effect of missense changes on protein structure and function (PolyPhen-2) suggests that this variant is likely to be tolerated. In summary, the available evidence is currently insufficient to determine the role of this variant in disease. Therefore, it has been classified as a Variant of Uncertain Significance.

Ambry Genetics
Classification: Likely benign. Last evaluated: 2024-12-03. Review status: criteria provided, single submitter. Criteria: Ambry Variant Classification Scheme 2023. Collection method: clinical testing. Allele origin: germline.

NM_001025616.3(ARHGAP24):c.1386C>A (p.Ser462Arg)

Gene: ARHGAP24 (Rho GTPase activating protein 24; plus strand). Cytogenetic location: 4q21.23.
Variant type: single nucleotide variant.
Coding change: c.1386C>A on transcript NM_001025616.3 (MANE Select); coding-DNA position 1386, C replaced by A.
Protein change: p.Ser462Arg; replaces serine 462 with arginine.
Molecular consequence: missense variant.
Genome position (GRCh38, 1-based): chr4:85,995,040, C>A. VCF-style: chr4-85995040-C-A. GRCh37 (hg19) VCF-style: chr4-86916193-C-A.
Other names: c.1101C>A, p.Ser367Arg (NM_001042669.2); c.1131C>A, p.Ser377Arg (NM_001287805.2); c.807C>A, p.Ser269Arg (NM_001346093.2); c.1107C>A, p.Ser369Arg (NM_031305.3); c.1386C>A (NM_001025616.2); short protein forms S377R, S269R, S369R, S462R, S367R.
Identifiers: ClinVar variation 2194575 (VCV002194575.5), dbSNP rs142672228, ClinGen allele CA2994730.